The following is an entry in ClinVar:

ClinVar aggregate classification (germline): Pathogenic (1 of 4 stars; one submission).

Conditions:
Hereditary nonpolyposis colorectal neoplasms. Identifiers: MedGen C0009405, MeSH D003123.

Submission:

Labcorp Genetics (formerly Invitae), Labcorp
Classification: Pathogenic for Hereditary nonpolyposis colorectal neoplasms. Last evaluated: 2020-05-20. Review status: criteria provided, single submitter. Criteria: Invitae Variant Classification Sherloc (09022015). Collection method: clinical testing. Allele origin: germline.
Comment: This sequence change creates a premature translational stop signal (p.Met387Cysfs*11) in the PMS2 gene. It is expected to result in an absent or disrupted protein product. This variant is not present in population databases (ExAC no frequency). This variant has not been reported in the literature in individuals with PMS2-related conditions. Loss-of-function variants in PMS2 are known to be pathogenic (PMID: 21376568, 24362816). For these reasons, this variant has been classified as Pathogenic.

Literature cited by the submitters: PubMed 21376568; PubMed 24362816.

NM_000535.7(PMS2):c.1159del (p.Met387fs)

Gene: PMS2 (PMS1 homolog 2, mismatch repair system component; minus strand). Cytogenetic location: 7p22.1.
Variant type: Deletion.
Coding change: c.1159del on transcript NM_000535.7 (MANE Select); coding-DNA position 1159, one base deleted (A; older notation c.1159delA).
Protein change: p.Met387fs; shifts the reading frame from methionine 387.
Molecular consequence: frameshift variant. On other transcripts: non-coding transcript variant (1).
Genome position (GRCh38, 1-based): chr7:5,987,606, T deleted on the plus strand (A on the coding strand, the reverse complement: PMS2 is on the minus strand); the first of 5 consecutive T bases (chr7:5,987,606-5,987,610); deleting any one gives the same sequence. VCF-style (leftmost placement, unchanged base first): chr7-5987605-AT-A. GRCh37 (hg19) VCF-style: chr7-6027236-AT-A.
Other names: c.754del, p.Met252fs (NM_001322003.2, NM_001322004.2, NM_001322005.2 and 1 more transcripts); c.1003del, p.Met335fs (NM_001322006.2); c.841del, p.Met281fs (NM_001322007.2, NM_001322008.2); c.598del, p.Met200fs (NM_001322010.2); c.226del, p.Met76fs (NM_001322011.2, NM_001322012.2); c.586del, p.Met196fs (NM_001322013.2); c.1159del, p.Met387fs (NM_001322014.2); c.850del, p.Met284fs (NM_001322015.2); short protein forms M196fs, M200fs, M252fs, M281fs, M284fs, M335fs, M387fs, M76fs.
Identifiers: ClinVar variation 1069789 (VCV001069789.7), dbSNP rs2128737155, ClinGen allele CA2499218963.
Genomic context (GRCh38, chr7:5,987,605, plus strand): 5'-CTTAATGAAGGGGATTGATCCTGCTTTTCTACCATGGGCTTTTCCAAATCCGCTGCATGC[AT>A]TTTTATTAAGTTACCTAAGCAAACGTGGACGGAGAAGAGGGTCAGGGACTATCCTGAAAT-3'